The following is an entry in ClinVar:

NM_022124.6(CDH23):c.849del (p.Phe284fs)

Gene: CDH23 (cadherin related 23; plus strand). Cytogenetic location: 10q22.1.
Variant type: Deletion.
Coding change: c.849del on transcript NM_022124.6 (MANE Select); coding-DNA position 849, one base deleted (C; older notation c.849delC).
Protein change: p.Phe284fs; shifts the reading frame from phenylalanine 284.
Molecular consequence: frameshift variant.
Genome position (GRCh38, 1-based): chr10:71,615,520, C deleted. VCF-style (leftmost placement, unchanged base first): chr10-71615519-TC-T. GRCh37 (hg19) VCF-style: chr10-73375276-TC-T.
Other names: c.849del, p.Phe284fs (NM_001171930.2, NM_001171931.2, NM_001171932.2 and 1 more transcripts); short protein forms F284fs.
Identifiers: ClinVar variation 866055 (VCV000866055.6), dbSNP rs1861132418, ClinGen allele CA912970387.

ClinVar aggregate classification (germline): Pathogenic (1 of 4 stars; one submission).

Allele frequency attached by ClinVar (database versions not stated): gnomAD exomes below 0.00001.

Submission:

Labcorp Genetics (formerly Invitae), Labcorp
Classification: Pathogenic. Last evaluated: 2022-08-05. Review status: criteria provided, single submitter. Criteria: Invitae Variant Classification Sherloc (09022015). Collection method: clinical testing. Allele origin: germline.
Comment: For these reasons, this variant has been classified as Pathogenic. ClinVar contains an entry for this variant (Variation ID: 866055). This variant has not been reported in the literature in individuals affected with CDH23-related conditions. This variant is not present in population databases (gnomAD no frequency). This sequence change creates a premature translational stop signal (p.Phe284Leufs*10) in the CDH23 gene. It is expected to result in an absent or disrupted protein product. Loss-of-function variants in CDH23 are known to be pathogenic (PMID: 11138009, 21940737).

Literature cited by the submitters: PubMed 11138009; PubMed 21940737.